The following is an entry in ClinVar:

ClinVar aggregate classification (germline): Uncertain significance (1 of 4 stars; one submission).

Allele frequency attached by ClinVar (database versions not stated): gnomAD exomes below 0.00001; ExAC 0.00001.
gnomAD v4.1: 3 of 1,613,972 alleles (0.00019%); highest among the groups gnomAD compares: Non-Finnish European, 0.00025%; no homozygotes.

Submission:

Labcorp Genetics (formerly Invitae), Labcorp
Classification: Uncertain significance. Last evaluated: 2022-04-20. Review status: criteria provided, single submitter. Criteria: Invitae Variant Classification Sherloc (09022015). Collection method: clinical testing. Allele origin: germline.
Comment: In summary, the available evidence is currently insufficient to determine the role of this variant in disease. Therefore, it has been classified as a Variant of Uncertain Significance. Algorithms developed to predict the effect of missense changes on protein structure and function are either unavailable or do not agree on the potential impact of this missense change (SIFT: "Deleterious"; PolyPhen-2: "Probably Damaging"; Align-GVGD: "Class C0"). This variant has not been reported in the literature in individuals affected with HK1-related conditions. This variant is present in population databases (rs752658009, gnomAD 0.0009%). This sequence change replaces alanine, which is neutral and non-polar, with valine, which is neutral and non-polar, at codon 653 of the HK1 protein (p.Ala653Val).

NM_000188.3(HK1):c.1958C>T (p.Ala653Val)

Gene: HK1 (hexokinase 1; plus strand). Cytogenetic location: 10q22.1.
Variant type: single nucleotide variant.
Coding change: c.1958C>T on transcript NM_000188.3 (MANE Select); coding-DNA position 1958, C replaced by T.
Protein change: p.Ala653Val; replaces alanine 653 with valine.
Molecular consequence: missense variant.
Genome position (GRCh38, 1-based): chr10:69,389,219, C>T. VCF-style: chr10-69389219-C-T. GRCh37 (hg19) VCF-style: chr10-71148975-C-T.
Other names: c.1970C>T, p.Ala657Val (NM_001322364.2, NM_001358263.1, NM_033497.3 and 1 more transcripts); c.2063C>T, p.Ala688Val (NM_001322365.2); c.1874C>T, p.Ala625Val (NM_001322366.1); c.1862C>T, p.Ala621Val (NM_001322367.1); c.1955C>T, p.Ala652Val (NM_033496.3); c.1922C>T, p.Ala641Val (NM_033500.2); short protein forms A653V, A641V, A657V, A621V, A625V, A652V, A688V.
Identifiers: ClinVar variation 2128228 (VCV002128228.4), dbSNP rs752658009, ClinGen allele CA5532743.
Genomic context (GRCh38, chr10:69,389,219, plus strand): 5'-GATCCTATTCCTAAAGCTGTGTCCCTTTCTTTGCAAAGGAATTTGACCTGGACGTGGTGG[C>T]TGTGGTCAACGACACAGTGGGCACCATGATGACCTGTGCTTATGAGGAGCCCACCTGTGA-3'
Protein context (NP_000179.2, residues 643-663): RREEFDLDVV[Ala653Val]VVNDTVGTMM